The following is an entry in ClinVar:

NM_058004.4(PI4KA):c.5596G>A (p.Asp1866Asn)

Gene: PI4KA (phosphatidylinositol 4-kinase alpha; minus strand). Cytogenetic location: 22q11.21.
Variant type: single nucleotide variant.
Coding change: c.5596G>A on transcript NM_058004.4 (MANE Select); coding-DNA position 5596, G replaced by A.
Protein change: p.Asp1866Asn; replaces aspartic acid 1866 with asparagine.
Molecular consequence: missense variant.
Genome position (GRCh38, 1-based): chr22:20,712,773, C>T on the plus strand (G>A on the coding strand, the complement: PI4KA is on the minus strand). VCF-style: chr22-20712773-C-T. GRCh37 (hg19) VCF-style: chr22-21067061-C-T.
Other names: c.5596G>A (NM_058004.3); c.5503G>A, p.Asp1835Asn (NM_001362862.2); c.5530G>A, p.Asp1844Asn (NM_001362863.2); short protein forms D1866N, D1835N, D1844N.
Identifiers: ClinVar variation 623974 (VCV000623974.45), dbSNP rs368442314, ClinGen allele CA10114605.
Genomic context (GRCh38, chr22:20,712,773, plus strand): 5'-CGCGGTAGGGAAAAACAAAGAGGTCCAGGCCGACCAGCTGGAAGATGTTCTTGAAGAGGT[C>T]GATGATCTGCAGGGCCAGCATGTCCTGGGAAGCCGGGAGGCGCAGGATGCGGTCAGTTGG-3'
Protein context (NP_477352.3, residues 1856-1876): RQDMLALQII[Asp1866Asn]LFKNIFQLVG

ClinVar aggregate classification (germline): Uncertain significance. Review status: criteria provided, multiple submitters, no conflicts (2 of 4 stars). 3 submissions from 3 submitters: Uncertain significance (3). Last evaluated 2025-08-14.

Conditions:
Gastrointestinal defects and immunodeficiency syndrome 2 (GIDID2). Also called: MULTIPLE INTESTINAL ATRESIA WITH OR WITHOUT LEUKOPENIA. Identifiers: MedGen C5676901, MONDO:0030669, OMIM 619708.
Polymicrogyria, perisylvian, with cerebellar hypoplasia and arthrogryposis (NEDSPLB). Identifiers: MedGen C4225295, MONDO:0014679, OMIM 616531.
Spastic paraplegia 84, autosomal recessive (SPG84). Identifiers: Orphanet 631079, MedGen C5562025, MONDO:0030482, OMIM 619621.

Allele frequency attached by ClinVar (database versions not stated): ExAC 0.00005; ESP Exome Variant Server 0.00009; gnomAD 0.00014 and 0.00015; TOPMed 0.00020; gnomAD exomes 0.00022 and 0.00028.
gnomAD v4.1: 404 of 1,549,924 alleles (0.026%); highest among the groups gnomAD compares: Admixed American, 0.059%; no homozygotes.

Submissions (3):

GeneDx
Classification: Uncertain significance. Last evaluated: 2025-08-14. Review status: criteria provided, single submitter. Criteria: GeneDx Variant Classification Process June 2021. Collection method: clinical testing. Allele origin: germline.
Comment: In silico analysis supports that this missense variant does not alter protein structure/function; Has not been previously published as pathogenic or benign to our knowledge

Fulgent Genetics
Classification: Uncertain significance for Polymicrogyria, perisylvian, with cerebellar hypoplasia and arthrogryposis; Spastic paraplegia 84, autosomal recessive; Gastrointestinal defects and immunodeficiency syndrome 2. Last evaluated: 2022-04-14. Review status: criteria provided, single submitter. Criteria: ACMG Guidelines, 2015. Collection method: clinical testing. Allele origin: unknown.

CeGaT Center for Human Genetics Tuebingen
Classification: Uncertain significance. Last evaluated: 2018-07-01. Review status: criteria provided, single submitter. Criteria: CeGaT Center For Human Genetics Tuebingen Variant Classification Criteria Version 2. Collection method: clinical testing. Allele origin: germline. Affected: yes. Observed: 1 variant allele.